The following is an entry in ClinVar:

ClinVar aggregate classification (germline): Pathogenic (1 of 4 stars; one submission).

Conditions:
Anemia, nonspherocytic hemolytic, due to G6PD deficiency (CNSHA1). Also called: Hemolytic anemia due to G6PD deficiency; Class I glucose-6-phosphate dehydrogenase deficiency; Favism, susceptibility to; ANEMIA, CONGENITAL, NONSPHEROCYTIC HEMOLYTIC, 1. Identifiers: Orphanet 466026, MedGen C2720289, MONDO:0010480, OMIM 300908.

Allele frequency attached by ClinVar (database versions not stated): gnomAD exomes below 0.00001.

Submission:

Dunham Lab, University of Washington
Classification: Pathogenic for Anemia, nonspherocytic hemolytic, due to G6PD deficiency. Last evaluated: 2024-09-01. Review status: criteria provided, single submitter. Criteria: ACMG Guidelines, 2015. Collection method: curation. Allele origin: unknown. Affected: yes.
Comment: Variant reported in hemizygotes with G6PD deficiency (PP4). Decreased activity reported in RBCs (22%) and when expressed in E. coli (2%) (PS3). Reported in unrelated individuals with deficiency (PS4_M). Not observed in gnomAD (PM2). Predicted to be damaging by SIFT, probably damaging by PolyPhen, and disease causing by Mutation Taster (PP3). Classified as WHO Class II. Post_P 0.994 (odds of pathogenicity 1516.9, Prior_P 0.1).

Literature cited by the submitters: PubMed 31294066; PubMed 36089067.

NM_001360016.2(G6PD):c.585G>C (p.Gln195His)

Gene: G6PD (glucose-6-phosphate dehydrogenase; minus strand). Cytogenetic location: Xq28.
Variant type: single nucleotide variant.
Coding change: c.585G>C on transcript NM_001360016.2 (MANE Select); coding-DNA position 585, G replaced by C.
Protein change: p.Gln195His; replaces glutamine 195 with histidine.
Molecular consequence: missense variant.
Genome position (GRCh38, 1-based): chrX:154,534,397, C>G on the plus strand (G>C on the coding strand, the complement: G6PD is on the minus strand). VCF-style: chrX-154534397-C-G. GRCh37 (hg19) VCF-style: chrX-153762612-C-G.
Other names: G6PD Tainan; c.675G>C, p.Gln225His (NM_000402.4); c.585G>C, p.Gln195His (NM_001042351.3); short protein forms Q195H, Q225H.
Identifiers: ClinVar variation 1722741 (VCV001722741.3), dbSNP rs2523267993, ClinGen allele CA415237880.